The following is an entry in ClinVar:

NM_001042492.3(NF1):c.3332T>C (p.Met1111Thr)

Gene: NF1 (neurofibromin 1; plus strand). Cytogenetic location: 17q11.2.
Variant type: single nucleotide variant.
Coding change: c.3332T>C on transcript NM_001042492.3 (MANE Select); coding-DNA position 3332, T replaced by C.
Protein change: p.Met1111Thr; replaces methionine 1111 with threonine.
Molecular consequence: missense variant.
Genome position (GRCh38, 1-based): chr17:31,232,717, T>C. VCF-style: chr17-31232717-T-C. GRCh37 (hg19) VCF-style: chr17-29559735-T-C.
Other names: c.3332T>C, p.Met1111Thr (NM_000267.4); short protein forms M1111T.
Identifiers: ClinVar variation 527449 (VCV000527449.5), dbSNP rs1555614920, ClinGen allele CA398989000.
Genomic context (GRCh38, chr17:31,232,717, plus strand): 5'-ATACGGCCTTCACTATGTAAAGGTCAGTCTTTTTATTTCTCAGATACTTCACATTATTTA[T>C]GAACCTTTTGAATGACTGCAGTGAAGTTGAAGATGAAAGTGCGCAAACAGGTGGCAGGAA-3'
Protein context (NP_001035957.1, residues 1101-1121): QLFLKYFTLF[Met1111Thr]NLLNDCSEVE

ClinVar aggregate classification (germline): Uncertain significance (1 of 4 stars; one submission).

Conditions:
Neurofibromatosis, type 1 (NF1). Also called: VON RECKLINGHAUSEN DISEASE; NEUROFIBROMATOSIS, TYPE I, SOMATIC; Peripheral type neurofibromatosis; Neurofibromatosis, type I. Identifiers: Orphanet 636, MedGen C0027831, MONDO:0018975, OMIM 162200. Disease mechanism: loss of function.

Allele frequency attached by ClinVar (database versions not stated): gnomAD exomes below 0.00001.

Submission:

Labcorp Genetics (formerly Invitae), Labcorp
Classification: Uncertain significance for Neurofibromatosis, type 1. Last evaluated: 2023-10-18. Review status: criteria provided, single submitter. Criteria: Invitae Variant Classification Sherloc (09022015). Collection method: clinical testing. Allele origin: germline.
Comment: This sequence change replaces methionine, which is neutral and non-polar, with threonine, which is neutral and polar, at codon 1111 of the NF1 protein (p.Met1111Thr). This variant is not present in population databases (gnomAD no frequency). This variant has not been reported in the literature in individuals affected with NF1-related conditions. ClinVar contains an entry for this variant (Variation ID: 527449). Advanced modeling of protein sequence and biophysical properties (such as structural, functional, and spatial information, amino acid conservation, physicochemical variation, residue mobility, and thermodynamic stability) performed at Invitae indicates that this missense variant is expected to disrupt NF1 protein function. In summary, the available evidence is currently insufficient to determine the role of this variant in disease. Therefore, it has been classified as a Variant of Uncertain Significance.